The following is an entry in ClinVar:

NM_213599.3(ANO5):c.517G>A (p.Val173Ile)

Gene: ANO5 (anoctamin 5; plus strand). Cytogenetic location: 11p14.3.
Variant type: single nucleotide variant.
Coding change: c.517G>A on transcript NM_213599.3 (MANE Select); coding-DNA position 517, G replaced by A.
Protein change: p.Val173Ile; replaces valine 173 with isoleucine.
Molecular consequence: missense variant.
Genome position (GRCh38, 1-based): chr11:22,227,455, G>A. VCF-style: chr11-22227455-G-A. GRCh37 (hg19) VCF-style: chr11-22249001-G-A.
Other names: c.514G>A, p.Val172Ile (NM_001142649.2); c.475G>A, p.Val159Ile (NM_001410963.1); c.472G>A, p.Val158Ile (NM_001410964.1); short protein forms V158I, V159I, V172I, V173I.
Identifiers: ClinVar variation 3762757 (VCV003762757.2).

ClinVar aggregate classification (germline): Uncertain significance (1 of 4 stars; one submission).

Conditions:
Autosomal recessive limb-girdle muscular dystrophy type 2L (LGMDR12). Also called: MUSCULAR DYSTROPHY, LIMB-GIRDLE, AUTOSOMAL RECESSIVE 12; Limb-Girdle Muscular Dystrophy R12 Anoctamin-5-Related (LGMD-R12); Limb-girdle muscular dystrophy, type 2L. Identifiers: Orphanet 206549, MedGen C1969785, MONDO:0012652, OMIM 611307.
Gnathodiaphyseal dysplasia (GDD). Also called: GNATHODIAPHYSEAL SCLEROSIS; OSTEOGENESIS IMPERFECTA WITH UNUSUAL SKELETAL LESIONS. Identifiers: Orphanet 53697, MedGen C1833736, MONDO:0008151, OMIM 166260.

Submission:

Labcorp Genetics (formerly Invitae), Labcorp
Classification: Uncertain significance for Autosomal recessive limb-girdle muscular dystrophy type 2L; Gnathodiaphyseal dysplasia. Last evaluated: 2024-04-15. Review status: criteria provided, single submitter. Criteria: Invitae Variant Classification Sherloc (09022015). Collection method: clinical testing. Allele origin: germline.
Comment: This sequence change replaces valine, which is neutral and non-polar, with isoleucine, which is neutral and non-polar, at codon 173 of the ANO5 protein (p.Val173Ile). This variant is not present in population databases (gnomAD no frequency). This variant has not been reported in the literature in individuals affected with ANO5-related conditions. Advanced modeling of protein sequence and biophysical properties (such as structural, functional, and spatial information, amino acid conservation, physicochemical variation, residue mobility, and thermodynamic stability) performed at Invitae indicates that this missense variant is not expected to disrupt ANO5 protein function with a negative predictive value of 95%. In summary, the available evidence is currently insufficient to determine the role of this variant in disease. Therefore, it has been classified as a Variant of Uncertain Significance.